The following is an entry in ClinVar:

ClinVar aggregate classification (germline): Uncertain significance (1 of 4 stars; one submission).

Conditions:
Hereditary cancer-predisposing syndrome. Also called: Neoplastic Syndromes, Hereditary; Hereditary neoplastic syndrome; Tumor predisposition; Hereditary Cancer Syndrome. Identifiers: Orphanet 140162, MedGen C0027672, MeSH D009386, MONDO:0015356.

Submission:

Ambry Genetics
Classification: Uncertain significance for Hereditary cancer-predisposing syndrome. Last evaluated: 2026-02-19. Review status: criteria provided, single submitter. Criteria: Ambry Variant Classification Scheme 2023. Collection method: clinical testing. Allele origin: germline.
Comment: The p.F256Y variant (also known as c.767T>A), located in coding exon 5 of the CHEK2 gene, results from a T to A substitution at nucleotide position 767. The phenylalanine at codon 256 is replaced by tyrosine, an amino acid with highly similar properties. This amino acid position is conserved. In addition, the in silico prediction for this alteration is inconclusive. Based on the available evidence, the clinical significance of this variant remains unclear.

NM_007194.4(CHEK2):c.767T>A (p.Phe256Tyr)

Gene: CHEK2 (checkpoint kinase 2; minus strand). Cytogenetic location: 22q12.1.
Variant type: single nucleotide variant.
Coding change: c.767T>A on transcript NM_007194.4 (MANE Select); coding-DNA position 767, T replaced by A.
Protein change: p.Phe256Tyr; replaces phenylalanine 256 with tyrosine.
Molecular consequence: missense variant.
Genome position (GRCh38, 1-based): chr22:28,711,934, A>T on the plus strand (T>A on the coding strand, the complement: CHEK2 is on the minus strand). VCF-style: chr22-28711934-A-T. GRCh37 (hg19) VCF-style: chr22-29107922-A-T.
Other names: c.896T>A, p.Phe299Tyr (NM_001005735.3, NM_001438294.1); c.104T>A, p.Phe35Tyr (NM_001257387.3, NM_001437942.1); c.566T>A, p.Phe189Tyr (NM_001349956.3); c.860T>A, p.Phe287Tyr (NM_001438293.1, NM_001438295.1); c.767T>A, p.Phe256Tyr (NM_145862.3); short protein forms F256Y, F35Y, F189Y, F287Y, F299Y.
Identifiers: ClinVar variation 4824800 (VCV004824800.1).